The following is an entry in ClinVar:

NM_002334.4(LRP4):c.3911G>A (p.Arg1304Gln)

Gene: LRP4 (LDL receptor related protein 4; minus strand). Cytogenetic location: 11p11.2.
Variant type: single nucleotide variant.
Coding change: c.3911G>A on transcript NM_002334.4 (MANE Select); coding-DNA position 3911, G replaced by A.
Protein change: p.Arg1304Gln; replaces arginine 1304 with glutamine.
Molecular consequence: missense variant.
Genome position (GRCh38, 1-based): chr11:46,875,470, C>T on the plus strand (G>A on the coding strand, the complement: LRP4 is on the minus strand). VCF-style: chr11-46875470-C-T. GRCh37 (hg19) VCF-style: chr11-46897021-C-T.
Other names: short protein forms R1304Q.
Identifiers: ClinVar variation 2191236 (VCV002191236.4), dbSNP rs139692226, ClinGen allele CA221627737.

ClinVar aggregate classification (germline): Uncertain significance. Review status: criteria provided, multiple submitters, no conflicts (2 of 4 stars). 2 submissions from 2 submitters: Uncertain significance (2). Last evaluated 2024-02-28.

Conditions:
Cenani-Lenz syndactyly syndrome. Also called: SYNDACTYLY, TYPE VII; CENANI SYNDACTYLISM. Identifiers: Orphanet 3258, MedGen C1859309, MONDO:0008931, OMIM 212780.
Congenital myasthenic syndrome 17. Identifiers: Orphanet 590, MedGen C4225377, MONDO:0014578, OMIM 616304.
Sclerosteosis 2 (SOST2). Identifiers: Orphanet 3152, MedGen C3280402, MONDO:0013679, OMIM 614305.

Allele frequency attached by ClinVar (database versions not stated): gnomAD exomes 0.00001; TOPMed 0.00001; ESP Exome Variant Server 0.00008.
gnomAD v4.1: 21 of 1,613,934 alleles (0.0013%); highest among the groups gnomAD compares: South Asian, 0.0044%; no homozygotes.

Submissions (2):

Fulgent Genetics
Classification: Uncertain significance for Cenani-Lenz syndactyly syndrome; Sclerosteosis 2; Congenital myasthenic syndrome 17. Last evaluated: 2024-02-28. Review status: criteria provided, single submitter. Criteria: ACMG Guidelines, 2015. Collection method: clinical testing. Allele origin: germline.

Labcorp Genetics (formerly Invitae), Labcorp
Classification: Uncertain significance for Cenani-Lenz syndactyly syndrome; Sclerosteosis 2; Congenital myasthenic syndrome 17. Last evaluated: 2022-02-10. Review status: criteria provided, single submitter. Criteria: Invitae Variant Classification Sherloc (09022015). Collection method: clinical testing. Allele origin: germline.
Comment: Algorithms developed to predict the effect of missense changes on protein structure and function (SIFT, PolyPhen-2, Align-GVGD) all suggest that this variant is likely to be tolerated. In summary, the available evidence is currently insufficient to determine the role of this variant in disease. Therefore, it has been classified as a Variant of Uncertain Significance. This variant has not been reported in the literature in individuals affected with LRP4-related conditions. This variant is present in population databases (rs139692226, gnomAD 0.003%). This sequence change replaces arginine, which is basic and polar, with glutamine, which is neutral and polar, at codon 1304 of the LRP4 protein (p.Arg1304Gln).